The following is an entry in ClinVar:

ClinVar aggregate classification (germline): Uncertain significance (1 of 4 stars; one submission).

Conditions:
Idiopathic generalized epilepsy. Also called: EIG; Generalised epilepsy. Identifiers: MedGen C0270850, MONDO:0005579, OMIM 600669.

Submission:

Labcorp Genetics (formerly Invitae), Labcorp
Classification: Uncertain significance for Idiopathic generalized epilepsy. Last evaluated: 2024-07-24. Review status: criteria provided, single submitter. Criteria: Invitae Variant Classification Sherloc (09022015). Collection method: clinical testing. Allele origin: germline.
Comment: This sequence change falls in intron 9 of the RBFOX3 gene. It does not directly change the encoded amino acid sequence of the RBFOX3 protein. It affects a nucleotide within the consensus splice site. This variant is not present in population databases (gnomAD no frequency). This variant has not been reported in the literature in individuals affected with RBFOX3-related conditions. Variants that disrupt the consensus splice site are a relatively common cause of aberrant splicing (PMID: 17576681, 9536098). Algorithms developed to predict the effect of sequence changes on RNA splicing suggest that this variant is not likely to affect RNA splicing. In summary, the available evidence is currently insufficient to determine the role of this variant in disease. Therefore, it has been classified as a Variant of Uncertain Significance.

Literature cited by the submitters: PubMed 17576681; PubMed 9536098.

NM_001350451.2(RBFOX3):c.568+3A>G

Gene: RBFOX3 (RNA binding fox-1 homolog 3; minus strand). Cytogenetic location: 17q25.3.
Variant type: single nucleotide variant.
Coding change: c.568+3A>G on transcript NM_001350451.2 (MANE Select); 3 bases into the intron after coding-DNA position 568, A replaced by G.
Molecular consequence: intron variant.
Genome position (GRCh38, 1-based): chr17:79,101,581, T>C on the plus strand (A>G on the coding strand, the complement: RBFOX3 is on the minus strand). VCF-style: chr17-79101581-T-C. GRCh37 (hg19) VCF-style: chr17-77097663-T-C.
Other names: c.568+3A>G (NM_001385807.1, NM_001385838.1, NM_001385842.1 and 34 more transcripts); c.565+3A>G (NM_001385846.1, NM_001385822.1, NM_001385845.1 and 4 more transcripts); c.475+3A>G (NM_001385824.1); c.421+3A>G (NM_001385847.1).
Identifiers: ClinVar variation 3670551 (VCV003670551.2).